The following is an entry in ClinVar:

ClinVar aggregate classification (germline): Uncertain significance. Review status: criteria provided, multiple submitters, no conflicts (2 of 4 stars). 2 submissions from 2 submitters: Uncertain significance (2). Last evaluated 2023-12-18.

Conditions:
Hypertrophic cardiomyopathy. Also called: HYPERTROPHIC MYOCARDIOPATHY. Identifiers: Orphanet 217569, MedGen C0007194, MeSH D002312, MONDO:0005045, HP:0001639.
Cardiomyopathy (CMYO). Also called: Cardiomyopathies. Identifiers: Orphanet 167848, MedGen C0878544, MONDO:0004994, HP:0001638. Inheritance: Various modes of inheritance.

Submissions (2):

All of Us Research Program, National Institutes of Health
Classification: Uncertain significance for Cardiomyopathy. Last evaluated: 2023-12-18. Review status: criteria provided, single submitter. Criteria: ACMG Guidelines, 2015. Collection method: clinical testing. Allele origin: germline. Inheritance: Autosomal dominant inheritance. Observed: 1 variant allele, 1 heterozygote.
Comment: This missense variant replaces lysine with arginine at codon 918 of the MYH7 protein. Computational prediction indicates that this variant may have a neutral impact on protein on structure and function. To our knowledge, functional studies have not been reported for this variant. This variant has not been reported in individuals affected with MYH7-related disorders in the literature. This variant has not been identified in the general population by the Genome Aggregation Database (gnomAD). The available evidence is insufficient to determine the role of this variant in disease conclusively. Therefore, this variant is classified as a Variant of Uncertain Significance.

This study involves interpretation of variants in research participants for the purpose of population health screening. Participant phenotype was not available at the time of variant classification. Additional details can be found in publication PMID: 35346344, PMCID: PMC8962531

Labcorp Genetics (formerly Invitae), Labcorp
Classification: Uncertain significance for Hypertrophic cardiomyopathy. Last evaluated: 2023-08-17. Review status: criteria provided, single submitter. Criteria: Invitae Variant Classification Sherloc (09022015). Collection method: clinical testing. Allele origin: germline.
Comment: This sequence change replaces lysine, which is basic and polar, with arginine, which is basic and polar, at codon 918 of the MYH7 protein (p.Lys918Arg). This variant is not present in population databases (gnomAD no frequency). This variant has not been reported in the literature in individuals affected with MYH7-related conditions. ClinVar contains an entry for this variant (Variation ID: 1057621). Advanced modeling of protein sequence and biophysical properties (such as structural, functional, and spatial information, amino acid conservation, physicochemical variation, residue mobility, and thermodynamic stability) performed at Invitae indicates that this missense variant is expected to disrupt MYH7 protein function. In summary, the available evidence is currently insufficient to determine the role of this variant in disease. Therefore, it has been classified as a Variant of Uncertain Significance.

NM_000257.4(MYH7):c.2753A>G (p.Lys918Arg)

Gene: MYH7 (myosin heavy chain 7; minus strand). Cytogenetic location: 14q11.2.
Variant type: single nucleotide variant.
Coding change: c.2753A>G on transcript NM_000257.4 (MANE Select); coding-DNA position 2753, A replaced by G.
Protein change: p.Lys918Arg; replaces lysine 918 with arginine.
Molecular consequence: missense variant.
Genome position (GRCh38, 1-based): chr14:23,424,076, T>C on the plus strand (A>G on the coding strand, the complement: MYH7 is on the minus strand). VCF-style: chr14-23424076-T-C. GRCh37 (hg19) VCF-style: chr14-23893285-T-C.
Other names: short protein forms K918R.
Identifiers: ClinVar variation 1057621 (VCV001057621.10), dbSNP rs2138663758, ClinGen allele CA389047175.